The following is an entry in ClinVar:

ClinVar aggregate classification (germline): Likely benign (0 of 4 stars; one submission).

Conditions:
PDGFRB-related disorder. Also called: PDGFRB-related condition.

Allele frequency attached by ClinVar (database versions not stated): ExAC 0.00001; gnomAD exomes 0.00001; TOPMed 0.00002; gnomAD 0.00003.
gnomAD v4.1: 23 of 1,600,320 alleles (0.0014%); highest among the groups gnomAD compares: East Asian, 0.011%; no homozygotes.

Submission:

PreventionGenetics, part of Exact Sciences
Classification: Likely benign for PDGFRB-related condition. Last evaluated: 2019-08-01. Review status: no assertion criteria provided. Collection method: clinical testing. Allele origin: germline.
Comment: This variant is classified as likely benign based on ACMG/AMP sequence variant interpretation guidelines (Richards et al. 2015 PMID: 25741868, with internal and published modifications).

NM_002609.4(PDGFRB):c.2379C>T (p.Asn793=)

Gene: PDGFRB (platelet derived growth factor receptor beta; minus strand). Cytogenetic location: 5q32.
Variant type: single nucleotide variant.
Coding change: c.2379C>T on transcript NM_002609.4 (MANE Select); coding-DNA position 2379, C replaced by T.
Protein change: p.Asn793=; no amino-acid change (asparagine 793 retained).
Molecular consequence: synonymous variant.
Genome position (GRCh38, 1-based): chr5:150,121,288, G>A on the plus strand (C>T on the coding strand, the complement: PDGFRB is on the minus strand). VCF-style: chr5-150121288-G-A. GRCh37 (hg19) VCF-style: chr5-149500851-G-A.
Other names: c.2187C>T, p.Asn729= (NM_001355016.2); c.1896C>T, p.Asn632= (NM_001355017.2).
Identifiers: ClinVar variation 3035485 (VCV003035485.2), dbSNP rs747124912, ClinGen allele CA3507649.